The following is an entry in ClinVar:

NM_001329943.3(KIAA0586):c.3505GAA[1] (p.Glu1170del)

Gene: KIAA0586 (KIAA0586; plus strand). Cytogenetic location: 14q23.1.
Variant type: Microsatellite.
Coding change: c.3505GAA[1] on transcript NM_001329943.3 (MANE Select); one copy of the 3-base unit GAA starting at c.3505; the reference has two copies in a row; one copy, 3 bases deleted.
Protein change: p.Glu1170del; deletes glutamic acid 1170.
Molecular consequence: inframe deletion.
Genome position (GRCh38, 1-based): chr14:58,488,090-58,488,092, GAA deleted; deleting any 3 consecutive bases within chr14:58,488,085-58,488,092 gives the same sequence; the position shown is the placement nearest the transcript's 3' end. VCF-style (leftmost placement, unchanged base first): chr14-58488084-CAAG-C. GRCh37 (hg19) VCF-style: chr14-58954802-CAAG-C.
Other names: c.3280_3282delGAA (NM_014749.3); c.3664GAA[1], p.Glu1223del (NM_001244189.2); c.3460GAA[1], p.Glu1155del (NM_001244190.2); c.3250GAA[1], p.Glu1085del (NM_001244191.2, NM_001329945.2, NM_001364700.1 and 1 more transcripts); c.3373GAA[1], p.Glu1126del (NM_001244192.2); c.3085GAA[1], p.Glu1030del (NM_001244193.2); c.3505GAA[1], p.Glu1170del (NM_001329944.2, NM_001329946.2, NM_001329947.2); c.3277GAA[1], p.Glu1094del (NM_014749.5); short protein forms E1030del, E1085del, E1094del, E1126del, E1155del, E1170del, E1223del.
Identifiers: ClinVar variation 1300823 (VCV001300823.10), dbSNP rs778377845, ClinGen allele CA7206170.

ClinVar aggregate classification (germline): Conflicting classifications of pathogenicity. Review status: criteria provided, conflicting classifications (1 of 4 stars). 5 submissions from 5 submitters: Uncertain significance (4); Likely benign (1). Last evaluated 2025-01-06.

Conditions:
Short-rib thoracic dysplasia 14 with polydactyly (SRTD14). Identifiers: Orphanet 397715, MedGen C4225286, MONDO:0014688, OMIM 616546.
Joubert syndrome 23 (JBTS23). Identifiers: Orphanet 475, MedGen C4084822, MONDO:0014664, OMIM 616490.
Inborn genetic diseases. Identifiers: MedGen C0950123, MeSH D030342.

Submissions (5):

Labcorp Genetics (formerly Invitae), Labcorp
Classification: Uncertain significance for Joubert syndrome 23; Short-rib thoracic dysplasia 14 with polydactyly. Last evaluated: 2025-01-06. Review status: criteria provided, single submitter. Criteria: Invitae Variant Classification Sherloc (09022015). Collection method: clinical testing. Allele origin: germline.
Comment: This variant, c.3667_3669del, results in the deletion of 1 amino acid(s) of the KIAA0586 protein (p.Glu1223del), but otherwise preserves the integrity of the reading frame. This variant is present in population databases (rs778377845, gnomAD 0.09%). This variant has not been reported in the literature in individuals affected with KIAA0586-related conditions. ClinVar contains an entry for this variant (Variation ID: 1300823). Experimental studies and prediction algorithms are not available or were not evaluated, and the functional significance of this variant is currently unknown. In summary, the available evidence is currently insufficient to determine the role of this variant in disease. Therefore, it has been classified as a Variant of Uncertain Significance.

GeneDx
Classification: Uncertain significance. Last evaluated: 2024-10-22. Review status: criteria provided, single submitter. Criteria: GeneDx Variant Classification Process June 2021. Collection method: clinical testing. Allele origin: germline. Affected: yes.
Comment: In-frame deletion of 1 amino acid(s) in a non-repeat region; In silico analysis supports a deleterious effect on protein structure/function; Has not been previously published as pathogenic or benign to our knowledge

Blueprint Genetics
Classification: Likely benign. Last evaluated: 2024-09-16. Review status: criteria provided, single submitter. Criteria: ACMG Guidelines, 2015. Collection method: clinical testing. Allele origin: germline.

Genetic Services Laboratory, University of Chicago
Classification: Uncertain significance. Last evaluated: 2023-01-12. Review status: criteria provided, single submitter. Criteria: ACMG Guidelines, 2015. Collection method: clinical testing. Allele origin: germline. Affected: no.
Comment: DNA sequence analysis of the KIAA0586 demonstrated a three base pair deletion in exon 25, c.3667_3669del. This in-frame deletion is predicted to result in the deletion of one amino acid residue, p.Glu1223del. This deletion does not appear to have been previously described in individuals with KIAA0586-related disorders. This deletion has been described in the gnomAD database with a frequency of 0.10% in the African/African American subpopulation (dbSNP rs778377845). The functional significance of this sequence change is not known at present.

Ambry Genetics
Classification: Uncertain significance for Inborn genetic diseases. Last evaluated: 2022-08-23. Review status: criteria provided, single submitter. Criteria: Ambry Variant Classification Scheme 2023. Collection method: clinical testing. Allele origin: germline.
Comment: The c.3280_3282delGAA (p.E1094del) alteration is located in exon 22 (coding exon 22) of the KIAA0586 gene. This alteration consists of an in-frame deletion of 3 nucleotides between nucleotide positions c.3280 and c.3282, resulting in the deletion of 1 residue. Based on insufficient or conflicting evidence, the clinical significance of this alteration remains unclear.